The following is an entry in ClinVar:

NM_020975.6(RET):c.3142C>G (p.Leu1048Val)

Gene: RET (ret proto-oncogene; plus strand). Cytogenetic location: 10q11.21.
Variant type: single nucleotide variant.
Coding change: c.3142C>G on transcript NM_020975.6 (MANE Select); coding-DNA position 3142, C replaced by G.
Protein change: p.Leu1048Val; replaces leucine 1048 with valine.
Molecular consequence: missense variant.
Genome position (GRCh38, 1-based): chr10:43,126,677, C>G. VCF-style: chr10-43126677-C-G. GRCh37 (hg19) VCF-style: chr10-43622125-C-G.
Other names: c.2245C>G, p.Leu749Val (NM_001406781.1, NM_001406782.1, NM_001406779.1 and 1 more transcripts); c.2116C>G, p.Leu706Val (NM_001406783.1, NM_001406786.1); c.2152C>G, p.Leu718Val (NM_001406784.1); c.2125C>G, p.Leu709Val (NM_001406785.1); c.2110C>G, p.Leu704Val (NM_001406787.1); c.1957C>G, p.Leu653Val (NM_001406788.1, NM_001406789.1, NM_001406790.1); c.3142C>G, p.Leu1048Val (NM_000323.2, NM_001406743.1, NM_001406744.1 and 2 more transcripts); c.2380C>G, p.Leu794Val (NM_001355216.2); and 10 more; short protein forms L1048V, L794V, L565V, L706V, L806V, L873V, L1005V, L613V.
Identifiers: ClinVar variation 372080 (VCV000372080.25), dbSNP rs774347808, ClinGen allele CA042766.
Genomic context (GRCh38, chr10:43,126,677, plus strand): 5'-ATTTATGACGACGGCCTCTCAGAGGAGGAGACACCGCTGGTGGACTGTAATAATGCCCCC[C>G]TCCCTCGAGCCCTCCCTTCCACATGGATTGAAAACAAACTCTATGGTAGAATTTCCCATG-3'
Protein context (NP_066124.1, residues 1038-1058): TPLVDCNNAP[Leu1048Val]PRALPSTWIE

ClinVar aggregate classification (germline): Conflicting classifications of pathogenicity. Review status: criteria provided, conflicting classifications (1 of 4 stars). 10 submissions from 9 submitters: Uncertain significance (6); Likely benign (2). 2 of the submissions do not count toward it. Last evaluated 2026-07-20.

Conditions:
Multiple endocrine neoplasia, type 2 (MEN2). Identifiers: Orphanet 653, MedGen C4048306, MONDO:0019003. Disease mechanism: gain of function.
Hirschsprung disease, susceptibility to, 1 (HSCR1). Also called: RET-Related Hirschsprung Disease. Identifiers: Orphanet 388, MedGen C3888239, MONDO:0007723, OMIM 142623.
Multiple endocrine neoplasia type 2B. Also called: MUCOSAL NEUROMA SYNDROME; WAGENMANN-FROBOESE SYNDROME; MULTIPLE ENDOCRINE NEOPLASIA, TYPE III; Multiple endocrine neoplasia, type 3; MEN IIB; NEUROMATA, MUCOSAL, WITH ENDOCRINE TUMORS. Identifiers: Orphanet 247709, Orphanet 653, MedGen C0025269, MeSH D018814, MONDO:0008082, OMIM 162300.
Hereditary cancer-predisposing syndrome. Also called: Neoplastic Syndromes, Hereditary; Hereditary Cancer Syndrome; Tumor predisposition; Hereditary neoplastic syndrome. Identifiers: Orphanet 140162, MedGen C0027672, MeSH D009386, MONDO:0015356.
Multiple endocrine neoplasia type 2A. Also called: MULTIPLE ENDOCRINE NEOPLASIA, TYPE IIA; PTC SYNDROME; SIPPLE SYNDROME; MEN 2A; MEN-2A syndrome; Pheochromocytoma and amyloid producing medullary thyroid carcinoma. Identifiers: Orphanet 247698, Orphanet 653, MedGen C0025268, MeSH D018813, MONDO:0008234, OMIM 171400.
RET-related disorder. Also called: RET-related disorders; RET-related condition; RET-related disease.

Allele frequency attached by ClinVar (database versions not stated): TOPMed 0.00001.
gnomAD v4.1: 15 of 1,613,978 alleles (0.00093%); highest among the groups gnomAD compares: Middle Eastern, 0.049%; no homozygotes.

Submissions (10):

Ambry Genetics
Classification: Likely benign for Hereditary cancer-predisposing syndrome. Last evaluated: 2026-07-20. Review status: criteria provided, single submitter. Criteria: Ambry Variant Classification Scheme 2023. Collection method: clinical testing. Allele origin: germline.

Labcorp Genetics (formerly Invitae), Labcorp
Classification: Uncertain significance for Multiple endocrine neoplasia, type 2. Last evaluated: 2026-01-05. Review status: criteria provided, single submitter. Criteria: Invitae Variant Classification Sherloc (09022015). Collection method: clinical testing. Allele origin: germline.
Comment: This sequence change replaces leucine, which is neutral and non-polar, with valine, which is neutral and non-polar, at codon 1048 of the RET protein (p.Leu1048Val). This variant is present in population databases (rs774347808, gnomAD 0.003%). This missense change has been observed in individual(s) with Hirschsprung disease (PMID: 22648184). ClinVar contains an entry for this variant (Variation ID: 372080). An algorithm developed to predict the effect of missense changes on protein structure and function (PolyPhen-2) suggests that this variant is likely to be tolerated. In summary, the available evidence is currently insufficient to determine the role of this variant in disease. Therefore, it has been classified as a Variant of Uncertain Significance.

PreventionGenetics, part of Exact Sciences
Classification: Uncertain significance for RET-related condition. Last evaluated: 2025-09-21. Review status: criteria provided, single submitter. Criteria: ACMG Guidelines, 2015. Collection method: clinical testing. Allele origin: germline.
Comment: The RET c.3142C>G variant is predicted to result in the amino acid substitution p.Leu1048Val. This variant has been reported in an individual with Hirschsprung disease; however, no additional information was provided to assess pathogenicity (Carter et al. 2012. PubMed ID: 22648184). This variant is reported in 0.0058% of alleles in individuals of Latino descent in gnomAD. In ClinVar, this alteration is classified as a variant of uncertain significance by multiple clinical labs (Variation ID: 372080). At this time, the clinical significance of this variant is uncertain due to the absence of conclusive functional and genetic evidence.

Laboratorio de I+D, Fundación Centro Médico de Asturias
Classification: Likely benign for Hereditary cancer-predisposing syndrome. Last evaluated: 2025-07-22. Review status: criteria provided, single submitter. Criteria: ACMG Guidelines, 2015. Collection method: clinical testing. Allele origin: germline.
Comment: BP4_Moderate+PM2_Supporting

All of Us Research Program, National Institutes of Health
Classification: Uncertain significance for Multiple endocrine neoplasia, type 2. Last evaluated: 2024-08-13. Review status: criteria provided, single submitter. Criteria: ACMG Guidelines, 2015. Collection method: clinical testing. Allele origin: germline. Inheritance: Autosomal dominant inheritance. Observed: 6 variant alleles, 6 heterozygotes.
Comment: This missense variant replaces leucine with valine at codon 1048 of the RET protein. Computational prediction suggests that this variant may not impact protein structure and function (internally defined REVEL score threshold <= 0.5, PMID: 27666373). To our knowledge, functional studies have not been reported for this variant. This variant has not been reported in individuals affected with RET-related cancers in the literature. This variant has been identified in 5/251468 chromosomes in the general population by the Genome Aggregation Database (gnomAD). The available evidence is insufficient to determine the role of this variant in disease conclusively. Therefore, this variant is classified as a Variant of Uncertain Significance.

This study involves interpretation of variants in research participants for the purpose of population health screening. Participant phenotype was not available at the time of variant classification. Additional details can be found in publication PMID: 35346344, PMCID: PMC8962531

Color Diagnostics, LLC DBA Color Health
Classification: Uncertain significance for Multiple endocrine neoplasia, type 2. Last evaluated: 2024-07-24. Review status: criteria provided, single submitter. Criteria: ACMG Guidelines, 2015. Collection method: clinical testing. Allele origin: germline.
Comment: This missense variant replaces leucine with valine at codon 1048 of the RET protein. Computational prediction suggests that this variant may not impact protein structure and function. To our knowledge, functional studies have not been reported for this variant. This variant has not been reported in individuals affected with RET-related cancers in the literature. This variant has been identified in 5/251468 chromosomes in the general population by the Genome Aggregation Database (gnomAD). The available evidence is insufficient to determine the role of this variant in disease conclusively. Therefore, this variant is classified as a Variant of Uncertain Significance.

Baylor Genetics
Classification: Uncertain significance for Hirschsprung disease, susceptibility to, 1. Last evaluated: 2024-01-14. Review status: criteria provided, single submitter. Criteria: ACMG Guidelines, 2015. Collection method: clinical testing. Allele origin: unknown.

GeneDx
Classification: Uncertain significance. Last evaluated: 2022-12-13. Review status: criteria provided, single submitter. Criteria: GeneDx Variant Classification Process June 2021. Collection method: clinical testing. Allele origin: germline. Affected: yes.
Comment: Not observed at significant frequency in large population cohorts (gnomAD); In silico analysis supports that this missense variant does not alter protein structure/function; Observed in an individual with Hirschprung disease (Carter et al., 2012); This variant is associated with the following publications: (PMID: 22648184, 14633923, 30034242, 29617658)

Counsyl
Classification: Uncertain significance for Multiple endocrine neoplasia type 2B. Last evaluated: 2016-02-12. Review status: no assertion criteria provided. Collection method: clinical testing. Allele origin: unknown. Not counted in ClinVar's aggregate classification.

Counsyl
Classification: Uncertain significance for Multiple endocrine neoplasia type 2A. Last evaluated: 2016-02-12. Review status: no assertion criteria provided. Collection method: clinical testing. Allele origin: unknown. Not counted in ClinVar's aggregate classification.

Literature cited by the submitters: PubMed 22648184 (cited by Ambry Genetics and Labcorp Genetics (formerly Invitae), Labcorp); PubMed 28518168 (cited by Ambry Genetics); PubMed 32461654 (cited by Ambry Genetics).